The following is an entry in ClinVar:

NM_004304.5(ALK):c.3200A>T (p.Gln1067Leu)

Gene: ALK (ALK receptor tyrosine kinase; minus strand). Cytogenetic location: 2p23.2.
Variant type: single nucleotide variant.
Coding change: c.3200A>T on transcript NM_004304.5 (MANE Select); coding-DNA position 3200, A replaced by T.
Protein change: p.Gln1067Leu; replaces glutamine 1067 with leucine.
Molecular consequence: missense variant. On other transcripts: 5 prime UTR variant (1).
Genome position (GRCh38, 1-based): chr2:29,223,501, T>A on the plus strand (A>T on the coding strand, the complement: ALK is on the minus strand). VCF-style: chr2-29223501-T-A. GRCh37 (hg19) VCF-style: chr2-29446367-T-A.
Other names: c.-5A>T (NM_001353765.2); short protein forms Q1067L.
Identifiers: ClinVar variation 4272849 (VCV004272849.1).

ClinVar aggregate classification (germline): Uncertain significance (1 of 4 stars; one submission).

Conditions:
Hereditary cancer-predisposing syndrome. Also called: Hereditary Cancer Syndrome; Hereditary neoplastic syndrome; Neoplastic Syndromes, Hereditary; Tumor predisposition. Identifiers: Orphanet 140162, MedGen C0027672, MeSH D009386, MONDO:0015356.

Submission:

Ambry Genetics
Classification: Uncertain significance for Hereditary cancer-predisposing syndrome. Last evaluated: 2025-08-09. Review status: criteria provided, single submitter. Criteria: Ambry Variant Classification Scheme 2023. Collection method: clinical testing. Allele origin: germline.
Comment: The p.Q1067L variant (also known as c.3200A>T), located in coding exon 20 of the ALK gene, results from an A to T substitution at nucleotide position 3200. The glutamine at codon 1067 is replaced by leucine, an amino acid with dissimilar properties. This amino acid position is conserved. In addition, this alteration is predicted to be tolerated by in silico analysis. Based on the available evidence, the clinical significance of this variant remains unclear.